The following is an entry in ClinVar:

ClinVar aggregate classification (germline): Conflicting classifications of pathogenicity. Review status: criteria provided, conflicting classifications (1 of 4 stars). 3 submissions from 3 submitters: Uncertain significance (1); Likely benign (1). 1 of the submissions does not count toward it. Last evaluated 2026-01-31.

Conditions:
Generalized dominant dystrophic epidermolysis bullosa (DDEB). Also called: DYSTROPHIC EPIDERMOLYSIS BULLOSA, AUTOSOMAL DOMINANT; Epidermolysis bullosa dystrophica, autosomal dominant; Dominant DEB (DDEB); DDEB, generalized; DDEB-gen. Identifiers: Orphanet 231568, MedGen C0432322, MONDO:0007549, OMIM 131750.

Allele frequency attached by ClinVar (database versions not stated): 1000 Genomes Project 30x 0.00016; gnomAD 0.00016 and 0.00019; ExAC 0.00017; gnomAD exomes 0.00018; 1000 Genomes Project 0.00020; TOPMed 0.00020; ESP Exome Variant Server 0.00038.
gnomAD v4.1: 548 of 1,614,050 alleles (0.034%); highest among the groups gnomAD compares: Non-Finnish European, 0.042%; no homozygotes.

Submissions (4):

Labcorp Genetics (formerly Invitae), Labcorp
Classification: Likely benign. Last evaluated: 2026-01-31. Review status: criteria provided, single submitter. Criteria: Invitae Variant Classification Sherloc (09022015). Collection method: clinical testing. Allele origin: germline.

CeGaT Center for Human Genetics Tuebingen
Classification: Uncertain significance. Last evaluated: 2025-02-01. Review status: criteria provided, single submitter. Criteria: CeGaT Center For Human Genetics Tuebingen Variant Classification Criteria Version 2. Collection method: clinical testing. Allele origin: germline. Affected: yes. Observed: 1 variant allele.
Comment: COL7A1: PM2, BP7

Natera, Inc.
Classification: Uncertain significance for Autosomal dominant dystrophic epidermolysis bullosa. Last evaluated: 2020-04-22. Review status: no assertion criteria provided. Collection method: clinical testing. Allele origin: germline. Not counted in ClinVar's aggregate classification.

Dr. Peter K. Rogan Lab, Western University
No classification provided (evidence only). Condition: Familial cancer of breast. Review status: no classification provided. Collection method: in vitro. Allele origin: not applicable. Functional consequence: retained intron. Not counted in ClinVar's aggregate classification.

NM_000094.4(COL7A1):c.7416C>T (p.Gly2472=)

Gene: COL7A1 (collagen type VII alpha 1 chain; minus strand). Cytogenetic location: 3p21.31.
Variant type: single nucleotide variant.
Coding change: c.7416C>T on transcript NM_000094.4 (MANE Select); coding-DNA position 7416, C replaced by T.
Protein change: p.Gly2472=; no amino-acid change (glycine 2472 retained).
Molecular consequence: synonymous variant.
Genome position (GRCh38, 1-based): chr3:48,570,299, G>A on the plus strand (C>T on the coding strand, the complement: COL7A1 is on the minus strand). VCF-style: chr3-48570299-G-A. GRCh37 (hg19) VCF-style: chr3-48607732-G-A.
Identifiers: ClinVar variation 766356 (VCV000766356.25), dbSNP rs142651194, ClinGen allele CA2378513.
Genomic context (GRCh38, chr3:48,570,299, plus strand): 5'-TGAAGGGAGTTCGGCTGTGGAGTAAGACATACGTACCCGGATGCCTGGCTCCCCACGCTC[G>A]CCTCGGGGCCCAGGCAGCCCTACTCCAGGGTCTCCCTGGAGACCAACAGGACACCGGGGA-3'
Protein context (NP_000085.1, residues 2462-2482): DPGVGLPGPR[Gly2472=]ERGEPGIRGE